The following is an entry in ClinVar:

NM_000302.4(PLOD1):c.1751A>T (p.Asn584Ile)

Gene: PLOD1 (procollagen-lysine,2-oxoglutarate 5-dioxygenase 1; plus strand). Cytogenetic location: 1p36.22.
Variant type: single nucleotide variant.
Coding change: c.1751A>T on transcript NM_000302.4 (MANE Select); coding-DNA position 1751, A replaced by T.
Protein change: p.Asn584Ile; replaces asparagine 584 with isoleucine.
Molecular consequence: missense variant.
Genome position (GRCh38, 1-based): chr1:11,967,087, A>T. VCF-style: chr1-11967087-A-T. GRCh37 (hg19) VCF-style: chr1-12027144-A-T.
Other names: c.1892A>T, p.Asn631Ile (NM_001316320.2); short protein forms N584I, N631I.
Identifiers: ClinVar variation 3934563 (VCV003934563.1).
Genomic context (GRCh38, chr1:11,967,087, plus strand): 5'-TGGCCTGTGATGAGCTGGTGGAGGAGATGGAGCACTTTGGCCAGTGGTCTCTGGGCAACA[A>T]CAAGGTGGGACCCTGATGCCTGGGCTGGGGCCGCAGGGAGGCTGCCTCTCCATCAGTGCC-3'
Protein context (NP_000293.2, residues 574-594): EHFGQWSLGN[Asn584Ile]KDNRIQGGYE

ClinVar aggregate classification (germline): Uncertain significance (1 of 4 stars; one submission).

Conditions:
Familial thoracic aortic aneurysm and aortic dissection (TAAD). Also called: Thoracic aortic aneurysms and dissections. Identifiers: Orphanet 91387, MedGen C4707243, MONDO:0019625.

gnomAD v4.1: 2 of 1,598,972 alleles (0.00013%); highest among the groups gnomAD compares: Non-Finnish European, 0.00017%; no homozygotes.

Submission:

Ambry Genetics
Classification: Uncertain significance for Familial thoracic aortic aneurysm and aortic dissection. Last evaluated: 2025-05-27. Review status: criteria provided, single submitter. Criteria: Ambry Variant Classification Scheme 2023. Collection method: clinical testing. Allele origin: germline.
Comment: The p.N584I variant (also known as c.1751A>T), located in coding exon 16 of the PLOD1 gene, results from an A to T substitution at nucleotide position 1751. The asparagine at codon 584 is replaced by isoleucine, an amino acid with dissimilar properties. This amino acid position is conserved. In addition, the in silico prediction for this alteration is inconclusive. Based on the available evidence, the clinical significance of this variant remains unclear.